The following is an entry in ClinVar:

ClinVar aggregate classification (germline): Likely benign (1 of 4 stars; one submission).

Submission:

CeGaT Center for Human Genetics Tuebingen
Classification: Likely benign. Last evaluated: 2023-04-01. Review status: criteria provided, single submitter. Criteria: CeGaT Center For Human Genetics Tuebingen Variant Classification Criteria Version 2. Collection method: clinical testing. Allele origin: germline. Affected: yes. Observed: 2 variant alleles.
Comment: CHD2: BS1

NM_001271.4(CHD2):c.3455+193_3455+194insCTCCCT

Gene: CHD2 (chromodomain helicase DNA binding protein 2; plus strand). Cytogenetic location: 15q26.1.
Variant type: Microsatellite.
Coding change: c.3455+193_3455+194insCTCCCT on transcript NM_001271.4 (MANE Select); bases 193 to 194 of the intron after coding-DNA position 3455, CTCCCT inserted.
Molecular consequence: intron variant.
Genome position: GRCh38 VCF-style: chr15-92991709-A-ATCTCCC. GRCh37 (hg19) VCF-style: chr15-93534939-A-ATCTCCC.
Identifiers: ClinVar variation 2570911 (VCV002570911.27), dbSNP rs1408334350.